The following is an entry in ClinVar:

NM_000143.4(FH):c.1108+2T>A

Gene: FH (fumarate hydratase; minus strand). Cytogenetic location: 1q43.
Variant type: single nucleotide variant.
Coding change: c.1108+2T>A on transcript NM_000143.4 (MANE Select); the canonical splice donor site of the intron after coding-DNA position 1108, T replaced by A.
Molecular consequence: splice donor variant.
Genome position (GRCh38, 1-based): chr1:241,504,040, A>T on the plus strand (T>A on the coding strand, the complement: FH is on the minus strand). VCF-style: chr1-241504040-A-T. GRCh37 (hg19) VCF-style: chr1-241667340-A-T.
Identifiers: ClinVar variation 2567073 (VCV002567073.2), dbSNP rs2527319050, ClinGen allele CA345437859.

ClinVar aggregate classification (germline): Likely pathogenic (1 of 4 stars; one submission).

Conditions:
Hereditary cancer-predisposing syndrome. Also called: Hereditary neoplastic syndrome; Hereditary Cancer Syndrome; Neoplastic Syndromes, Hereditary; Tumor predisposition. Identifiers: Orphanet 140162, MedGen C0027672, MeSH D009386, MONDO:0015356.

Submission:

Ambry Genetics
Classification: Likely pathogenic for Hereditary cancer-predisposing syndrome. Last evaluated: 2023-04-10. Review status: criteria provided, single submitter. Criteria: Ambry Variant Classification Scheme 2023. Collection method: clinical testing. Allele origin: germline.
Comment: The c.1108+2T>A intronic variant results from a T to A substitution two nucleotides after coding exon 7 in the FH gene. Alterations that disrupt the canonical splice site are expected to result in aberrant splicing. In silico splice site analysis predicts that this alteration will weaken the native splice donor site. The resulting transcript is predicted to be in-frame and is not expected to trigger nonsense-mediated mRNAdecay; however, direct evidence is unavailable. The exact functional effect of the altered amino acid sequence is unknown; however, the impacted region is critical for protein function (Ambry internal data). This alteration has been observed in at least one individual with a personal and/or family history that is consistent with FH-related disease (Ambry internal data). This variant is considered to be rare based on population cohorts in the Genome Aggregation Database (gnomAD). This nucleotide position is highly conserved in available vertebrate species. Based on the majority of available evidence to date, this variant is likely to be pathogenic.